The following is an entry in ClinVar:

NM_000051.4(ATM):c.8525C>G (p.Pro2842Arg)

Genes: ATM (ATM serine/threonine kinase; plus strand), C11orf65 (chromosome 11 open reading frame 65; minus strand). Cytogenetic location: 11q22.3.
Variant type: single nucleotide variant.
Coding change: c.8525C>G on transcript NM_000051.4 (MANE Select); coding-DNA position 8525, C replaced by G.
Protein change: p.Pro2842Arg; replaces proline 2842 with arginine.
Molecular consequence: missense variant. On other transcripts: intron variant (2).
Genome position (GRCh38, 1-based): chr11:108,345,849, C>G. VCF-style: chr11-108345849-C-G. GRCh37 (hg19) VCF-style: chr11-108216576-C-G.
Other names: c.8525C>G, p.Pro2842Arg (NM_001351834.2); c.641-36778G>C (NM_001330368.2); c.695-10557G>C (NM_001351110.2); short protein forms P2842R.
Identifiers: ClinVar variation 246048 (VCV000246048.4), dbSNP rs879254065, ClinGen allele CA10584378.

ClinVar aggregate classification (germline): Uncertain significance (1 of 4 stars; one submission).

gnomAD v4.1: 1 of 1,613,790 alleles (0.000062%); highest among the groups gnomAD compares: Non-Finnish European, 0.000085%; no homozygotes.

Submission:

GeneDx
Classification: Uncertain significance. Last evaluated: 2015-11-05. Review status: criteria provided, single submitter. Criteria: GeneDx Variant Classification (06012015). Collection method: clinical testing. Allele origin: germline. Affected: yes.
Comment: This variant is denoted ATM c.8525C>G at the cDNA level, p.Pro2842Arg (P2842R) at the protein level, and results in the change of a Proline to an Arginine (CCA>CGA). This variant has not, to our knowledge, been published in the literature as a germline pathogenic or benign variant. ATM Pro2842Arg was not observed in approximately 6,500 individuals of European and African American ancestry in the NHLBI Exome Sequencing Project, suggesting it is not a common benign variant in these populations. Since Proline and Arginine differ in polarity, charge, size or other properties, this is considered a non-conservative amino acid substitution. ATM Pro2842Arg occurs at a position that is conserved across species and is located in the kinase domain and the PI3K/PI4K domain (Tavtigian 2009, Stracker 2013, UniProt). In silico analyses predict that this variant is probably damaging to protein structure and function. Based on currently available evidence, it is unclear whether ATM Pro2842Arg is a pathogenic or benign variant. We consider it to be a variant of uncertain significance.